The following is an entry in ClinVar:

NM_001048174.2(MUTYH):c.1123G>A (p.Glu375Lys)

Gene: MUTYH (mutY DNA glycosylase; minus strand). Cytogenetic location: 1p34.1.
Variant type: single nucleotide variant.
Coding change: c.1123G>A on transcript NM_001048174.2 (MANE Select); coding-DNA position 1123, G replaced by A.
Protein change: p.Glu375Lys; replaces glutamic acid 375 with lysine.
Molecular consequence: missense variant. On other transcripts: non-coding transcript variant (2).
Genome position (GRCh38, 1-based): chr1:45,331,536, C>T on the plus strand (G>A on the coding strand, the complement: MUTYH is on the minus strand). VCF-style: chr1-45331536-C-T. GRCh37 (hg19) VCF-style: chr1-45797208-C-T.
Other names: c.1123G>A, p.Glu375Lys (NM_001048171.2, NM_001048173.2, NM_001293195.2); c.1126G>A, p.Glu376Lys (NM_001048172.2); c.1207G>A, p.Glu403Lys (NM_001128425.2); c.1168G>A, p.Glu390Lys (NM_001293190.2); c.1156G>A, p.Glu386Lys (NM_001293191.2); c.847G>A, p.Glu283Lys (NM_001293192.2, NM_001293196.2); c.778G>A, p.Glu260Lys (NM_001350650.2, NM_001350651.2); c.1198G>A, p.Glu400Lys (NM_012222.3); short protein forms E376K, E390K, E400K, E403K, E283K, E375K, E386K, E260K.
Identifiers: ClinVar variation 850000 (VCV000850000.11), dbSNP rs1644859056, ClinGen allele CA340133129.

ClinVar aggregate classification (germline): Conflicting classifications of pathogenicity. Review status: criteria provided, conflicting classifications (1 of 4 stars). 2 submissions from 2 submitters: Likely pathogenic (1); Uncertain significance (1). Last evaluated 2025-08-15.

Conditions:
Familial adenomatous polyposis 2. Also called: MYH-associated polyposis; FAP type 2; MUTYH-related attenuated familial adenomatous polyposis; Adenomas, multiple colorectal; ADENOMAS, MULTIPLE COLORECTAL, AUTOSOMAL RECESSIVE; MUTYH Polyposis. Identifiers: Orphanet 220460, Orphanet 247798, MedGen C3272841, MONDO:0012041, OMIM 608456.
Hereditary cancer-predisposing syndrome. Also called: Neoplastic Syndromes, Hereditary; Hereditary neoplastic syndrome; Tumor predisposition; Hereditary Cancer Syndrome. Identifiers: Orphanet 140162, MedGen C0027672, MeSH D009386, MONDO:0015356.

Submissions (2):

Ambry Genetics
Classification: Likely pathogenic for Hereditary cancer-predisposing syndrome. Last evaluated: 2025-08-15. Review status: criteria provided, single submitter. Criteria: Ambry Variant Classification Scheme 2023. Collection method: clinical testing. Allele origin: germline.
Comment: The p.E403K variant (also known as c.1207G>A), located in coding exon 13 of the MUTYH gene, results from a G to A substitution at nucleotide position 1207. The glutamic acid at codon 403 is replaced by lysine, an amino acid with similar properties. In a massively parallel cell-based functional assay testing 7,8-dihydro-8-oxoguanine:adenine (8OG:A) repair activity, a byproduct of oxidative damage, this variant was reported to have intermediate function (Hemker SL et al. Am J Hum Genet. Published online July 29, 2025. DOI: 10.1016/j.ajhg.2025.07.005). This amino acid position is conserved. In addition, this alteration is predicted to be deleterious by in silico analysis. This variant is considered to be rare based on population cohorts in the Genome Aggregation Database (gnomAD). Based on the majority of available evidence to date, this variant is likely to be pathogenic.

Labcorp Genetics (formerly Invitae), Labcorp
Classification: Uncertain significance for Familial adenomatous polyposis 2. Last evaluated: 2020-12-30. Review status: criteria provided, single submitter. Criteria: Invitae Variant Classification Sherloc (09022015). Collection method: clinical testing. Allele origin: germline.
Comment: In summary, the available evidence is currently insufficient to determine the role of this variant in disease. Therefore, it has been classified as a Variant of Uncertain Significance. Algorithms developed to predict the effect of missense changes on protein structure and function are either unavailable or do not agree on the potential impact of this missense change (SIFT: "Deleterious"; PolyPhen-2: "Probably Damaging"; Align-GVGD: "Class C15"). This variant has not been reported in the literature in individuals with MUTYH-related conditions. This variant is not present in population databases (ExAC no frequency). This sequence change replaces glutamic acid with lysine at codon 403 of the MUTYH protein (p.Glu403Lys). The glutamic acid residue is highly conserved and there is a small physicochemical difference between glutamic acid and lysine.

Literature cited by the submitters: PubMed 40738107 (cited by Ambry Genetics).